The following is an entry in ClinVar:

NM_000059.4(BRCA2):c.5307T>C (p.Asp1769=)

Gene: BRCA2 (BRCA2 DNA repair associated; plus strand). Cytogenetic location: 13q13.1.
Variant type: single nucleotide variant.
Coding change: c.5307T>C on transcript NM_000059.4 (MANE Select); coding-DNA position 5307, T replaced by C.
Protein change: p.Asp1769=; no amino-acid change (aspartic acid 1769 retained).
Molecular consequence: synonymous variant.
Genome position (GRCh38, 1-based): chr13:32,339,662, T>C. VCF-style: chr13-32339662-T-C. GRCh37 (hg19) VCF-style: chr13-32913799-T-C.
Identifiers: ClinVar variation 427533 (VCV000427533.10), dbSNP rs767693329, ClinGen allele CA6940865.
Genomic context (GRCh38, chr13:32,339,662, plus strand): 5'-TTCCTACCATTCTGATGAGGTATATAATGATTCAGGATATCTCTCAAAAAATAAACTTGA[T>C]TCTGGTATTGAGCCAGTATTGAAGAATGTTGAAGATCAAAAAAACACTAGTTTTTCCAAA-3'
Protein context (NP_000050.3, residues 1759-1779): DSGYLSKNKL[Asp1769=]SGIEPVLKNV

ClinVar aggregate classification (germline): Likely benign. Review status: reviewed by expert panel (3 of 4 stars). 4 submissions from 4 submitters: Likely benign (1). 3 of the submissions do not count toward it. Last evaluated 2017-06-29.

Conditions:
Breast-ovarian cancer, familial, susceptibility to, 2 (BROVCA2). Also called: BRCA2 Hereditary Breast and Ovarian Cancer. Identifiers: Orphanet 145, MedGen C2675520, MONDO:0012933, OMIM 612555. Disease mechanism: loss of function.
BRCA2-related cancer predisposition. Identifiers: MedGen CN377758, MONDO:0700269.
Hereditary cancer-predisposing syndrome. Also called: Hereditary neoplastic syndrome; Tumor predisposition; Neoplastic Syndromes, Hereditary; Hereditary Cancer Syndrome. Identifiers: Orphanet 140162, MedGen C0027672, MeSH D009386, MONDO:0015356.
Hereditary breast ovarian cancer syndrome. Also called: BRCA1- and BRCA2-Associated Hereditary Breast and Ovarian Cancer; Hereditary breast and/or ovarian cancer syndrome; Hereditary breast and ovarian cancer; Hereditary breast and ovarian cancer syndrome; Hereditary breast and ovarian cancer syndrome (HBOC); Breast and ovarian cancer. Identifiers: Orphanet 145, MedGen C0677776, MeSH D061325, MONDO:0003582. Disease mechanism: loss of function.

Allele frequency attached by ClinVar (database versions not stated): gnomAD exomes below 0.00001; ExAC 0.00001.
gnomAD v4.1: 5 of 1,612,610 alleles (0.00031%); highest among the groups gnomAD compares: Non-Finnish European, 0.00042%; no homozygotes.

Submissions (4):

Evidence-based Network for the Interpretation of Germline Mutant Alleles (ENIGMA)
Classification: Likely benign for Breast-ovarian cancer, familial, susceptibility to, 2. Last evaluated: 2017-06-29. Review status: reviewed by expert panel. Criteria: ENIGMA BRCA1/2 Classification Criteria (2017-06-29). Collection method: curation. Allele origin: germline.
Comment: Synonymous substitution variant, with low bioinformatic likelihood to result in a splicing aberration (Splicing prior probability 0.02).

Labcorp Genetics (formerly Invitae), Labcorp
Classification: Likely benign for Hereditary breast ovarian cancer syndrome. Last evaluated: 2025-07-06. Review status: criteria provided, single submitter. Criteria: Invitae Variant Classification Sherloc (09022015). Collection method: clinical testing. Allele origin: germline. Not counted in ClinVar's aggregate classification.

Color Diagnostics, LLC DBA Color Health
Classification: Likely benign for Hereditary cancer-predisposing syndrome. Last evaluated: 2025-06-30. Review status: criteria provided, single submitter. Criteria: ACMG Guidelines, 2015. Collection method: clinical testing. Allele origin: germline. Not counted in ClinVar's aggregate classification.

Department of Pathology and Laboratory Medicine, Sinai Health System
Classification: Likely benign for BRCA2-related cancer predisposition. Last evaluated: 2021-09-13. Review status: criteria provided, single submitter. Criteria: ACMG Guidelines, 2015. Collection method: clinical testing. Allele origin: germline. Not counted in ClinVar's aggregate classification.